The following is an entry in ClinVar:

NM_003108.4(SOX11):c.1116C>T (p.Ser372=)

Gene: SOX11 (SRY-box transcription factor 11; plus strand). Cytogenetic location: 2p25.2.
Variant type: single nucleotide variant.
Coding change: c.1116C>T on transcript NM_003108.4 (MANE Select); coding-DNA position 1116, C replaced by T.
Protein change: p.Ser372=; no amino-acid change (serine 372 retained).
Molecular consequence: synonymous variant.
Genome position (GRCh38, 1-based): chr2:5,693,837, C>T. VCF-style: chr2-5693837-C-T. GRCh37 (hg19) VCF-style: chr2-5833969-C-T.
Identifiers: ClinVar variation 3695757 (VCV003695757.2).

ClinVar aggregate classification (germline): Uncertain significance (1 of 4 stars; one submission).

Submission:

Labcorp Genetics (formerly Invitae), Labcorp
Classification: Uncertain significance. Last evaluated: 2024-05-05. Review status: criteria provided, single submitter. Criteria: Invitae Variant Classification Sherloc (09022015). Collection method: clinical testing. Allele origin: germline.
Comment: This sequence change affects codon 372 of the SOX11 mRNA. It is a 'silent' change, meaning that it does not change the encoded amino acid sequence of the SOX11 protein. This variant is not present in population databases (gnomAD no frequency). This variant has not been reported in the literature in individuals affected with SOX11-related conditions. In summary, the available evidence is currently insufficient to determine the role of this variant in disease. Therefore, it has been classified as a Variant of Uncertain Significance.